The following is an entry in ClinVar:

NM_000059.4(BRCA2):c.2351T>C (p.Met784Thr)

Gene: BRCA2 (BRCA2 DNA repair associated; plus strand). Cytogenetic location: 13q13.1.
Variant type: single nucleotide variant.
Coding change: c.2351T>C on transcript NM_000059.4 (MANE Select); coding-DNA position 2351, T replaced by C.
Protein change: p.Met784Thr; replaces methionine 784 with threonine.
Molecular consequence: missense variant. On other transcripts: non-coding transcript variant (1), intron variant (2).
Genome position (GRCh38, 1-based): chr13:32,336,706, T>C. VCF-style: chr13-32336706-T-C. GRCh37 (hg19) VCF-style: chr13-32910843-T-C.
Other names: c.2351T>C, p.Met784Thr (NM_001406719.1, NM_001406720.1, NM_001432077.1); c.1909+3319T>C (NM_001406721.1); c.424+5676T>C (NM_001406722.1); short protein forms M784T.
Identifiers: ClinVar variation 4842958 (VCV004842958.2).
Genomic context (GRCh38, chr13:32,336,706, plus strand): 5'-AAAATGCCAGCACTCTTATTTTAACTCCTACTTCCAAGGATGTTCTGTCAAACCTAGTCA[T>C]GATTTCTAGAGGCAAAGAATCATACAAAATGTCAGACAAGCTCAAAGGTAACAATTATGA-3'
Protein context (NP_000050.3, residues 774-794): TSKDVLSNLV[Met784Thr]ISRGKESYKM

ClinVar aggregate classification (germline): Conflicting classifications of pathogenicity. Review status: criteria provided, conflicting classifications (1 of 4 stars). 2 submissions from 2 submitters: Uncertain significance (1); Likely benign (1). Last evaluated 2026-05-01.

Conditions:
Breast-ovarian cancer, familial, susceptibility to, 2 (BROVCA2). Also called: BRCA2 Hereditary Breast and Ovarian Cancer. Identifiers: Orphanet 145, MedGen C2675520, MONDO:0012933, OMIM 612555. Disease mechanism: loss of function.
Hereditary cancer-predisposing syndrome. Also called: Neoplastic Syndromes, Hereditary; Tumor predisposition; Hereditary neoplastic syndrome; Hereditary Cancer Syndrome. Identifiers: Orphanet 140162, MedGen C0027672, MeSH D009386, MONDO:0015356.

gnomAD v4.1: 1 of 1,614,006 alleles (0.000062%); highest among the groups gnomAD compares: Non-Finnish European, 0.000085%; no homozygotes.

Submissions (2):

Cancer Bioinformatics and Tumour Evolution Laboratory, Monash University
Classification: Likely benign for Breast-ovarian cancer, familial, susceptibility to, 2. Last evaluated: 2026-05-01. Review status: criteria provided, single submitter. Criteria: ClinGen BRCA1 and BRCA2 Guidelines, 2024. Collection method: curation. Allele origin: germline. Inheritance: Autosomal dominant inheritance.
Comment: Missense variant outside of a functional domain with no splice impact. BRCA1 and BRCA2 VCEP guidelines recommend application of BP1_Strong (PMID: 39142283)

Ambry Genetics
Classification: Uncertain significance for Hereditary cancer-predisposing syndrome. Last evaluated: 2025-12-18. Review status: criteria provided, single submitter. Criteria: Ambry Variant Classification Scheme 2023. Collection method: clinical testing. Allele origin: germline.
Comment: The p.M784T variant (also known as c.2351T>C), located in coding exon 10 of the BRCA2 gene, results from a T to C substitution at nucleotide position 2351. The methionine at codon 784 is replaced by threonine, an amino acid with similar properties. This amino acid position is poorly conserved in available vertebrate species. In addition, this alteration is predicted to be tolerated by in silico analysis. Based on the available evidence, the clinical significance of this variant remains unclear.